The following is an entry in ClinVar:

NM_000535.7(PMS2):c.2357T>C (p.Leu786Pro)

Gene: PMS2 (PMS1 homolog 2, mismatch repair system component; minus strand). Cytogenetic location: 7p22.1.
Variant type: single nucleotide variant.
Coding change: c.2357T>C on transcript NM_000535.7 (MANE Select); coding-DNA position 2357, T replaced by C.
Protein change: p.Leu786Pro; replaces leucine 786 with proline.
Molecular consequence: missense variant. On other transcripts: non-coding transcript variant (1).
Genome position (GRCh38, 1-based): chr7:5,977,676, A>G on the plus strand (T>C on the coding strand, the complement: PMS2 is on the minus strand). VCF-style: chr7-5977676-A-G. GRCh37 (hg19) VCF-style: chr7-6017307-A-G.
Other names: c.1952T>C, p.Leu651Pro (NM_001018040.1, NM_001322003.2, NM_001322004.2 and 12 more transcripts); c.2201T>C, p.Leu734Pro (NM_001322006.2); c.2039T>C, p.Leu680Pro (NM_001322007.2, NM_001322008.2, NM_001406883.1); c.1985T>C, p.Leu662Pro (NM_001322009.2, NM_001406887.1, NM_001406888.1); c.1796T>C, p.Leu599Pro (NM_001322010.2, NM_001406906.1, NM_001406907.1); c.1424T>C, p.Leu475Pro (NM_001322011.2, NM_001322012.2); c.1784T>C, p.Leu595Pro (NM_001322013.2, NM_001406908.1, NM_001406909.1); c.2390T>C, p.Leu797Pro (NM_001322014.2); and 20 more; short protein forms L475P, L529P, L547P, L599P, L624P, L628P, L674P, L680P.
Identifiers: ClinVar variation 2808574 (VCV002808574.3), dbSNP rs2128673912, ClinGen allele CA366735852.
Genomic context (GRCh38, chr7:5,977,676, plus strand): 5'-ATCTGCTTGACTCGGGAAGGCCGGCACATGACCCCAGGGCTGTCGCTCAGCATGAAGATC[A>G]GTTCATCGACGTCCTGGGGTCCGAAGGTCCAGTTTTTACTAGTTGGCAAGGAAATCAGTT-3'
Protein context (NP_000526.2, residues 776-796): WTFGPQDVDE[Leu786Pro]IFMLSDSPGV

ClinVar aggregate classification (germline): Uncertain significance (1 of 4 stars; one submission).

Conditions:
Hereditary nonpolyposis colorectal neoplasms. Identifiers: MedGen C0009405, MeSH D003123.

Submission:

Labcorp Genetics (formerly Invitae), Labcorp
Classification: Uncertain significance for Hereditary nonpolyposis colorectal neoplasms. Last evaluated: 2023-02-07. Review status: criteria provided, single submitter. Criteria: Invitae Variant Classification Sherloc (09022015). Collection method: clinical testing. Allele origin: germline.
Comment: This sequence change replaces leucine, which is neutral and non-polar, with proline, which is neutral and non-polar, at codon 786 of the PMS2 protein (p.Leu786Pro). The frequency data for this variant in the population databases (gnomAD) is considered unreliable due to the presence of homologous sequence, such as pseudogenes or paralogs, in the genome. This variant has not been reported in the literature in individuals affected with PMS2-related conditions. Advanced modeling of protein sequence and biophysical properties (such as structural, functional, and spatial information, amino acid conservation, physicochemical variation, residue mobility, and thermodynamic stability) performed at Invitae indicates that this missense variant is expected to disrupt PMS2 protein function. In summary, the available evidence is currently insufficient to determine the role of this variant in disease. Therefore, it has been classified as a Variant of Uncertain Significance.